The following is an entry in ClinVar:

ClinVar aggregate classification (germline): Uncertain significance (1 of 4 stars; one submission).

Conditions:
Rhabdoid tumor predisposition syndrome 2 (RTPS2). Identifiers: Orphanet 231108, Orphanet 69077, MedGen C2750074, MONDO:0013224, OMIM 613325.

gnomAD v4.1: 3 of 1,614,192 alleles (0.00019%); highest among the groups gnomAD compares: Non-Finnish European, 0.00025%; no homozygotes.

Submission:

Labcorp Genetics (formerly Invitae), Labcorp
Classification: Uncertain significance for Rhabdoid tumor predisposition syndrome 2. Last evaluated: 2026-01-27. Review status: criteria provided, single submitter. Criteria: Invitae Variant Classification Sherloc (09022015). Collection method: clinical testing. Allele origin: germline.
Comment: This sequence change replaces glutamine, which is neutral and polar, with glutamic acid, which is acidic and polar, at codon 555 of the SMARCA4 protein (p.Gln555Glu). This variant is not present in population databases (gnomAD no frequency). This variant has not been reported in the literature in individuals affected with SMARCA4-related conditions. Invitae Evidence Modeling of protein sequence and biophysical properties (such as structural, functional, and spatial information, amino acid conservation, physicochemical variation, residue mobility, and thermodynamic stability) indicates that this missense variant is not expected to disrupt SMARCA4 protein function with a negative predictive value of 95%. In summary, the available evidence is currently insufficient to determine the role of this variant in disease. Therefore, it has been classified as a Variant of Uncertain Significance.

NM_003072.5(SMARCA4):c.1663C>G (p.Gln555Glu)

Gene: SMARCA4 (SWI/SNF related BAF chromatin remodeling complex subunit ATPase 4; plus strand). Cytogenetic location: 19p13.2.
Variant type: single nucleotide variant.
Coding change: c.1663C>G on transcript NM_003072.5 (MANE Select); coding-DNA position 1663, C replaced by G.
Protein change: p.Gln555Glu; replaces glutamine 555 with glutamic acid.
Molecular consequence: missense variant. On other transcripts: non-coding transcript variant (1).
Genome position (GRCh38, 1-based): chr19:10,996,282, C>G. VCF-style: chr19-10996282-C-G. GRCh37 (hg19) VCF-style: chr19-11106958-C-G.
Other names: c.1663C>G, p.Gln555Glu (NM_001411150.1, NM_001128844.3, NM_001128845.2 and 6 more transcripts); short protein forms Q555E.
Identifiers: ClinVar variation 4765167 (VCV004765167.1).